The following is an entry in ClinVar:

ClinVar aggregate classification (germline): Conflicting classifications of pathogenicity. Review status: criteria provided, conflicting classifications (1 of 4 stars). 2 submissions from 2 submitters: Pathogenic (1); Uncertain significance (1). Last evaluated 2025-07-14.

Submissions (2):

Women's Health and Genetics/Laboratory Corporation of America, LabCorp
Classification: Uncertain significance. Last evaluated: 2025-07-14. Review status: criteria provided, single submitter. Criteria: LabCorp Variant Classification Summary - May 2015. Collection method: clinical testing. Allele origin: germline.
Comment: Variant summary: USH2A c.12806C>A (p.Pro4269His) results in a non-conservative amino acid change located in the Fibronectin type III domain (IPR036116) of the encoded protein sequence. Algorithms developed to predict the effect of missense changes on protein structure and function are either unavailable or do not agree on the potential impact of this missense change. The variant was absent in 250928 control chromosomes. c.12806C>A has been reported in the literature in compound heterozygous individuals affected with Usher Syndrome (e.g. Baux_2014, Pierrache_2016). These data indicate that the variant may be associated with disease. To our knowledge, no experimental evidence demonstrating an impact on protein function has been reported. The following publications have been ascertained in the context of this evaluation (PMID: 24944099, 26927203). ClinVar contains an entry for this variant (Variation ID: 2202940). Based on the evidence outlined above, the variant was classified as VUS-possibly pathogenic.

Labcorp Genetics (formerly Invitae), Labcorp
Classification: Pathogenic. Last evaluated: 2025-02-09. Review status: criteria provided, single submitter. Criteria: Invitae Variant Classification Sherloc (09022015). Collection method: clinical testing. Allele origin: germline.
Comment: This sequence change replaces proline, which is neutral and non-polar, with histidine, which is basic and polar, at codon 4269 of the USH2A protein (p.Pro4269His). This variant is not present in population databases (gnomAD no frequency). This missense change has been observed in individual(s) with Usher syndrome (PMID: 24944099, 26927203). ClinVar contains an entry for this variant (Variation ID: 2202940). Invitae Evidence Modeling of protein sequence and biophysical properties (such as structural, functional, and spatial information, amino acid conservation, physicochemical variation, residue mobility, and thermodynamic stability) indicates that this missense variant is expected to disrupt USH2A protein function with a positive predictive value of 95%. This variant disrupts the p.Pro4269 amino acid residue in USH2A. Other variant(s) that disrupt this residue have been observed in individuals with USH2A-related conditions (PMID: 20507924), which suggests that this may be a clinically significant amino acid residue. For these reasons, this variant has been classified as Pathogenic.

Literature cited by the submitters: PubMed 26927203 (cited by Women's Health and Genetics/Laboratory Corporation of America, LabCorp and Labcorp Genetics (formerly Invitae), Labcorp); PubMed 24944099 (cited by Women's Health and Genetics/Laboratory Corporation of America, LabCorp and Labcorp Genetics (formerly Invitae), Labcorp); PubMed 20507924 (cited by Labcorp Genetics (formerly Invitae), Labcorp).

NM_206933.4(USH2A):c.12806C>A (p.Pro4269His)

Gene: USH2A (usherin; minus strand). Cytogenetic location: 1q41.
Variant type: single nucleotide variant.
Coding change: c.12806C>A on transcript NM_206933.4 (MANE Select); coding-DNA position 12806, C replaced by A.
Protein change: p.Pro4269His; replaces proline 4269 with histidine.
Molecular consequence: missense variant.
Genome position (GRCh38, 1-based): chr1:215,675,105, G>T on the plus strand (C>A on the coding strand, the complement: USH2A is on the minus strand). VCF-style: chr1-215675105-G-T. GRCh37 (hg19) VCF-style: chr1-215848447-G-T.
Other names: short protein forms P4269H.
Identifiers: ClinVar variation 2202940 (VCV002202940.7), dbSNP rs1553252475, ClinGen allele CA344849004.